The following is an entry in ClinVar:

NM_015978.3(TNNI3K):c.550C>A (p.Arg184Ser)

Genes: FPGT-TNNI3K (FPGT-TNNI3K readthrough; plus strand), TNNI3K (TNNI3 interacting kinase; plus strand). Cytogenetic location: 1p31.1.
Variant type: single nucleotide variant.
Coding change: c.550C>A on transcript NM_015978.3 (MANE Select); coding-DNA position 550, C replaced by A.
Protein change: p.Arg184Ser; replaces arginine 184 with serine.
Molecular consequence: missense variant.
Genome position (GRCh38, 1-based): chr1:74,336,017, C>A. VCF-style: chr1-74336017-C-A. GRCh37 (hg19) VCF-style: chr1-74801701-C-A.
Other names: c.853C>A, p.Arg285Ser (NM_001199327.2, NM_001112808.3); short protein forms R184S, R285S.
Identifiers: ClinVar variation 4776771 (VCV004776771.1).

ClinVar aggregate classification (germline): Uncertain significance (1 of 4 stars; one submission).

gnomAD v4.1: 12 of 1,570,206 alleles (0.00076%); highest among the groups gnomAD compares: Non-Finnish European, 0.00094%; no homozygotes.

Submission:

Labcorp Genetics (formerly Invitae), Labcorp
Classification: Uncertain significance. Last evaluated: 2026-01-08. Review status: criteria provided, single submitter. Criteria: Invitae Variant Classification Sherloc (09022015). Collection method: clinical testing. Allele origin: germline.
Comment: This sequence change replaces arginine, which is basic and polar, with serine, which is neutral and polar, at codon 184 of the TNNI3K protein (p.Arg184Ser). This variant is not present in population databases (gnomAD no frequency). This variant has not been reported in the literature in individuals affected with TNNI3K-related conditions. Invitae Evidence Modeling of protein sequence and biophysical properties (such as structural, functional, and spatial information, amino acid conservation, physicochemical variation, residue mobility, and thermodynamic stability) indicates that this missense variant is not expected to disrupt TNNI3K protein function with a negative predictive value of 80%. In summary, the available evidence is currently insufficient to determine the role of this variant in disease. Therefore, it has been classified as a Variant of Uncertain Significance.